The following is an entry in ClinVar:

ClinVar aggregate classification (germline): Uncertain significance. Review status: criteria provided, multiple submitters, no conflicts (2 of 4 stars). 2 submissions from 2 submitters: Uncertain significance (2). Last evaluated 2025-08-13.

Conditions:
Simpson-Golabi-Behmel syndrome type 2. Identifiers: Orphanet 79022, MedGen C1846175, MONDO:0010265, OMIM 300209.
Joubert syndrome 10 (JBTS10). Identifiers: Orphanet 2754, MedGen C2749019, MONDO:0010431, OMIM 300804.
Retinitis pigmentosa 23 (RP23). Identifiers: Orphanet 791, MedGen C1419610, MONDO:0010320, OMIM 300424.
Orofaciodigital syndrome I (OFD1). Also called: OFDS I; Papillon-Leage and Psaume Syndrome; Oral-Facial-Digital Syndrome Type I. Identifiers: Orphanet 2750, MedGen C1510460, MONDO:0010702, OMIM 311200.
Joubert syndrome. Also called: CEREBELLOPARENCHYMAL DISORDER IV; JOUBERT-BOLTSHAUSER SYNDROME; Familial aplasia of the vermis. Identifiers: Orphanet 475, MedGen C5979921, MONDO:0018772.

Submissions (2):

Labcorp Genetics (formerly Invitae), Labcorp
Classification: Uncertain significance for Orofaciodigital syndrome I; Joubert syndrome. Last evaluated: 2025-08-13. Review status: criteria provided, single submitter. Criteria: Invitae Variant Classification Sherloc (09022015). Collection method: clinical testing. Allele origin: germline.
Comment: This sequence change replaces lysine, which is basic and polar, with arginine, which is basic and polar, at codon 509 of the OFD1 protein (p.Lys509Arg). This variant is not present in population databases (gnomAD no frequency). This variant has not been reported in the literature in individuals affected with OFD1-related conditions. ClinVar contains an entry for this variant (Variation ID: 3598080). Invitae Evidence Modeling of protein sequence and biophysical properties (such as structural, functional, and spatial information, amino acid conservation, physicochemical variation, residue mobility, and thermodynamic stability) indicates that this missense variant is not expected to disrupt OFD1 protein function with a negative predictive value of 80%. In summary, the available evidence is currently insufficient to determine the role of this variant in disease. Therefore, it has been classified as a Variant of Uncertain Significance.

Fulgent Genetics
Classification: Uncertain significance for Simpson-Golabi-Behmel syndrome type 2; Retinitis pigmentosa 23; Joubert syndrome 10; Orofaciodigital syndrome I. Last evaluated: 2024-05-24. Review status: criteria provided, single submitter. Criteria: ACMG Guidelines, 2015. Collection method: clinical testing. Allele origin: germline.

NM_003611.3(OFD1):c.1526A>G (p.Lys509Arg)

Gene: OFD1 (OFD1 centriole and centriolar satellite protein; plus strand). Cytogenetic location: Xp22.2.
Variant type: single nucleotide variant.
Coding change: c.1526A>G on transcript NM_003611.3 (MANE Select); coding-DNA position 1526, A replaced by G.
Protein change: p.Lys509Arg; replaces lysine 509 with arginine.
Molecular consequence: missense variant.
Genome position (GRCh38, 1-based): chrX:13,757,774, A>G. VCF-style: chrX-13757774-A-G. GRCh37 (hg19) VCF-style: chrX-13775893-A-G.
Other names: c.1406A>G, p.Lys469Arg (NM_001330209.2); c.1106A>G, p.Lys369Arg (NM_001330210.2); short protein forms K509R, K469R, K369R.
Identifiers: ClinVar variation 3598080 (VCV003598080.2).